The following is an entry in ClinVar:

ClinVar aggregate classification (germline): Uncertain significance. Review status: criteria provided, multiple submitters, no conflicts (2 of 4 stars). 2 submissions from 2 submitters: Uncertain significance (2). Last evaluated 2026-04-30.

Conditions:
Autosomal recessive nonsyndromic hearing loss 102. Also called: Deafness, autosomal recessive 102. Identifiers: Orphanet 90636, MedGen C3892050, MONDO:0014428, OMIM 615974.
Inborn genetic diseases. Identifiers: MedGen C0950123, MeSH D030342.

Allele frequency attached by ClinVar (database versions not stated): gnomAD exomes 0.00002; ExAC 0.00003; gnomAD 0.00005; TOPMed 0.00005; ESP Exome Variant Server 0.00015.
gnomAD v4.1: 33 of 1,613,244 alleles (0.002%); highest among the groups gnomAD compares: Middle Eastern, 0.016%; no homozygotes.

Submissions (2):

Laboratory of Molecular, Cellular and Translation Genetics in Otolaryngology/ Lim32-hcfmusp, University of Sao Paulo School of Medicine Clinics Hospital
Classification: Uncertain significance for Autosomal recessive nonsyndromic hearing loss 102. Last evaluated: 2026-04-30. Review status: criteria provided, single submitter. Criteria: ACMG Guidelines, 2015. Collection method: research. Allele origin: germline. Affected: yes.
Comment: NM_004447.6:c.986T>C:p.(Leu329Pro). This variant has been classified as a variant of uncertain significance (VUS). It is rare in population databases (PM2_supporting), and in silico prediction tools are inconclusive regarding its impact on protein function. Although both variants are currently classified as VUS, their presence in trans in a gene associated with autosomal recessive hearing loss suggests that they represent strong candidate variants for the proband’s phenotype. However, the available evidence remains insufficient to establish a definitive causal role as described in PMID: 42233699.

Ambry Genetics
Classification: Uncertain significance for Inborn genetic diseases. Last evaluated: 2025-10-21. Review status: criteria provided, single submitter. Criteria: Ambry Variant Classification Scheme 2023. Collection method: clinical testing. Allele origin: germline.

Literature cited by the submitters: PubMed 42233699 (cited by Laboratory of Molecular, Cellular and Translation Genetics in Otolaryngology/ Lim32-hcfmusp, University of Sao Paulo School of Medicine Clinics Hospital).

NM_004447.6(EPS8):c.986T>C (p.Leu329Pro)

Gene: EPS8 (EGFR pathway substrate 8, signaling adaptor; minus strand). Cytogenetic location: 12p12.3.
Variant type: single nucleotide variant.
Coding change: c.986T>C on transcript NM_004447.6 (MANE Select); coding-DNA position 986, T replaced by C.
Protein change: p.Leu329Pro; replaces leucine 329 with proline.
Molecular consequence: missense variant. On other transcripts: non-coding transcript variant (3).
Genome position (GRCh38, 1-based): chr12:15,658,537, A>G on the plus strand (T>C on the coding strand, the complement: EPS8 is on the minus strand). VCF-style: chr12-15658537-A-G. GRCh37 (hg19) VCF-style: chr12-15811471-A-G.
Other names: c.569T>C, p.Leu190Pro (NM_001413837.1); c.206T>C, p.Leu69Pro (NM_001413838.1); c.986T>C, p.Leu329Pro (NM_001413839.1, NM_001413831.1, NM_001413832.1 and 2 more transcripts); c.746T>C, p.Leu249Pro (NM_001413835.1, NM_001413836.1); short protein forms L249P, L329P, L69P, L190P.
Identifiers: ClinVar variation 2513233 (VCV002513233.5), dbSNP rs79739141, ClinGen allele CA6467700.